The following is an entry in ClinVar:

NM_206933.4(USH2A):c.4107_4124del (p.Val1370_Ser1375del)

Genes: USH2A (usherin; minus strand), USH2A-AS1 (USH2A antisense RNA 1; plus strand). Cytogenetic location: 1q41.
Variant type: Deletion.
Coding change: c.4107_4124del on transcript NM_206933.4 (MANE Select); coding-DNA positions 4107 to 4124, 18 bases deleted (AGTCTTTCCCCTCTCTTC).
Protein change: p.Val1370_Ser1375del.
Molecular consequence: inframe deletion.
Genome position (GRCh38, 1-based): chr1:216,196,680-216,196,697, GAAGAGAGGGGAAAGACT deleted on the plus strand (AGTCTTTCCCCTCTCTTC on the coding strand, the reverse complement: USH2A is on the minus strand); deleting any 18 consecutive bases within chr1:216,196,680-216,196,701 gives the same sequence; the c. name uses the placement nearest the transcript's 3' end. VCF-style (leftmost placement, unchanged base first): chr1-216196679-CGAAGAGAGGGGAAAGACT-C. GRCh37 (hg19) VCF-style: chr1-216370021-CGAAGAGAGGGGAAAGACT-C.
Other names: c.4107_4124del, p.Val1370_Ser1375del (NM_007123.6).
Identifiers: ClinVar variation 950188 (VCV000950188.9), dbSNP rs1558310707, ClinGen allele CA528725184.

ClinVar aggregate classification (germline): Pathogenic (1 of 4 stars; one submission).

Submission:

Labcorp Genetics (formerly Invitae), Labcorp
Classification: Pathogenic. Last evaluated: 2023-07-14. Review status: criteria provided, single submitter. Criteria: Invitae Variant Classification Sherloc (09022015). Collection method: clinical testing. Allele origin: germline.
Comment: This variant, c.4107_4124del, results in the deletion of 6 amino acid(s) of the USH2A protein (p.Val1370_Ser1375del), but otherwise preserves the integrity of the reading frame. This variant is present in population databases (no rsID available, gnomAD 0.007%). For these reasons, this variant has been classified as Pathogenic. This variant disrupts a region of the USH2A protein in which other variant(s) (p.Ser1375Leu) have been determined to be pathogenic (PMID: 32188678). This suggests that this is a clinically significant region of the protein, and that variants that disrupt it are likely to be disease-causing. Algorithms developed to predict the effect of sequence changes on RNA splicing suggest that this variant may disrupt the consensus splice site. ClinVar contains an entry for this variant (Variation ID: 950188). This variant has not been reported in the literature in individuals affected with USH2A-related conditions.

Literature cited by the submitters: PubMed 32188678.